The following is an entry in ClinVar:

ClinVar aggregate classification (germline): Likely benign (0 of 4 stars; one submission).

Conditions:
KDM2B-related disorder. Also called: KDM2B-related condition.

Allele frequency attached by ClinVar (database versions not stated): gnomAD 0.00003; TOPMed 0.00003.
gnomAD v4.1: 105 of 1,614,064 alleles (0.0065%); highest among the groups gnomAD compares: Middle Eastern, 1.1%; 5 homozygotes.

Submission:

PreventionGenetics, part of Exact Sciences
Classification: Likely benign for KDM2B-related condition. Last evaluated: 2019-06-27. Review status: no assertion criteria provided. Collection method: clinical testing. Allele origin: germline.
Comment: This variant is classified as likely benign based on ACMG/AMP sequence variant interpretation guidelines (Richards et al. 2015 PMID: 25741868, with internal and published modifications).

NM_032590.5(KDM2B):c.2190+10G>A

Gene: KDM2B (lysine demethylase 2B; minus strand). Cytogenetic location: 12q24.31.
Variant type: single nucleotide variant.
Coding change: c.2190+10G>A on transcript NM_032590.5 (MANE Select); 10 bases into the intron after coding-DNA position 2190, G replaced by A.
Molecular consequence: intron variant.
Genome position (GRCh38, 1-based): chr12:121,444,440, C>T on the plus strand (G>A on the coding strand, the complement: KDM2B is on the minus strand). VCF-style: chr12-121444440-C-T. GRCh37 (hg19) VCF-style: chr12-121882243-C-T.
Other names: c.2097+10G>A (NM_001005366.2).
Identifiers: ClinVar variation 3042990 (VCV003042990.2), dbSNP rs782178024, ClinGen allele CA6836671.
Genomic context (GRCh38, chr12:121,444,440, plus strand): 5'-GGCTGGTCCCGGCCAGGCCCAGGCCCGCCCCTCTCCCGACTGACCCTGGGACTTGGAGCC[C>T]GGCACTCACTTTCCCGGTCTTGCCGGCGTGGTTACACTTCGGACACTCCCAGCAGTTTGG-3'